The following is an entry in ClinVar:

NM_001039876.3(SYNE4):c.411G>A (p.Met137Ile)

Gene: SYNE4 (spectrin repeat containing nuclear envelope family member 4; minus strand). Cytogenetic location: 19q13.12.
Variant type: single nucleotide variant.
Coding change: c.411G>A on transcript NM_001039876.3 (MANE Select); coding-DNA position 411, G replaced by A.
Protein change: p.Met137Ile; replaces methionine 137 with isoleucine.
Molecular consequence: missense variant. On other transcripts: intron variant (1).
Genome position (GRCh38, 1-based): chr19:36,007,137, C>T on the plus strand (G>A on the coding strand, the complement: SYNE4 is on the minus strand). VCF-style: chr19-36007137-C-T. GRCh37 (hg19) VCF-style: chr19-36498039-C-T.
Other names: c.280-466G>A (NM_001297735.3); short protein forms M137I.
Identifiers: ClinVar variation 227975 (VCV000227975.8), dbSNP rs760007740, ClinGen allele CA9393945.

ClinVar aggregate classification (germline): Conflicting classifications of pathogenicity. Review status: criteria provided, conflicting classifications (1 of 4 stars). 2 submissions from 2 submitters: Uncertain significance (1); Likely benign (1). Last evaluated 2024-09-08.

Allele frequency attached by ClinVar (database versions not stated): gnomAD below 0.00001 and 0.00001; gnomAD exomes below 0.00001; TOPMed below 0.00001; ExAC 0.00002.

Submissions (2):

Ambry Genetics
Classification: Uncertain significance. Last evaluated: 2024-09-08. Review status: criteria provided, single submitter. Criteria: Ambry Variant Classification Scheme 2023. Collection method: clinical testing. Allele origin: germline.

Laboratory for Molecular Medicine, Mass General Brigham Personalized Medicine
Classification: Likely benign. Last evaluated: 2015-04-17. Review status: criteria provided, single submitter. Criteria: LMM Criteria. Collection method: clinical testing. Allele origin: germline. Observed: 1 variant allele.
Comment: p.Met137Ile in exon 3 of SYNE4: This variant is not expected to have clinical s ignificance due to a lack of conservation across species, including mammals. Of note, 5 mammals have an isoleucine (Ile) at this position. In addition, computat ional prediction tools do not suggest a high likelihood of impact to the protein . This variant has also been identified in 1/3722 East Asian chromosomes by the Exome Aggregation Consortium (ExAC.